The following is an entry in ClinVar:

ClinVar aggregate classification (germline): Likely pathogenic (1 of 4 stars; one submission).

Submission:

Dasa
Classification: Likely pathogenic. Last evaluated: 2025-09-11. Review status: criteria provided, single submitter. Criteria: DASA Assertion Criteria. Collection method: clinical testing. Allele origin: germline.
Comment: NM_001081.4(CUBN):c.9557_9560del (p.Val3186Glyfs*3) is a frameshift variant in CUBN predicted to alter the reading frame and introduce a premature termination codon and is predicted to result in an absent or altered protein product. Loss of function is an established disease mechanism for CUBN-associated disorders. Also, this variant is absent from population databases. Based on the currently available evidence, this variant is classified as likely pathogenic.

NM_001081.4(CUBN):c.9557_9560del (p.Val3186fs)

Gene: CUBN (cubilin; minus strand). Cytogenetic location: 10p13.
Variant type: Deletion.
Coding change: c.9557_9560del on transcript NM_001081.4 (MANE Select); coding-DNA positions 9557 to 9560, 4 bases deleted (TATG; older notation c.9557_9560delTATG).
Protein change: p.Val3186fs; shifts the reading frame from valine 3186.
Molecular consequence: frameshift variant.
Genome position (GRCh38, 1-based): chr10:16,851,338-16,851,341, CATA deleted on the plus strand (TATG on the coding strand, the reverse complement: CUBN is on the minus strand); deleting any 4 consecutive bases within chr10:16,851,338-16,851,343 gives the same sequence; the c. name uses the placement nearest the transcript's 3' end. VCF-style (leftmost placement, unchanged base first): chr10-16851337-CCATA-C. GRCh37 (hg19) VCF-style: chr10-16893336-CCATA-C.
Other names: short protein forms V3186fs.
Identifiers: ClinVar variation 4880742 (VCV004880742.2).